The following is an entry in ClinVar:

NM_001365951.3(KIF1B):c.1427G>A (p.Arg476His)

Gene: KIF1B (kinesin family member 1B; plus strand). Cytogenetic location: 1p36.22.
Variant type: single nucleotide variant.
Coding change: c.1427G>A on transcript NM_001365951.3 (MANE Select); coding-DNA position 1427, G replaced by A.
Protein change: p.Arg476His; replaces arginine 476 with histidine.
Molecular consequence: missense variant.
Genome position (GRCh38, 1-based): chr1:10,282,526, G>A. VCF-style: chr1-10282526-G-A. GRCh37 (hg19) VCF-style: chr1-10342584-G-A.
Other names: c.1427G>A, p.Arg476His (NM_001365952.1); c.1289G>A, p.Arg430His (NM_001365953.1, NM_015074.3, NM_183416.4); short protein forms R476H, R430H.
Identifiers: ClinVar variation 1769040 (VCV001769040.7), dbSNP rs896518063, ClinGen allele CA338336754.
Genomic context (GRCh38, chr1:10,282,526, plus strand): 5'-CTGTGACCAGTATTCAAGAGAGGATCATGTCTACACCTGGAGGAGAGGAAGCTATTGAAC[G>A]TTTAAAGGTAAGTAATAGTTCAGACTGAATACAAGGTATTCTATGTAGCTCCACAAGGAA-3'
Protein context (NP_001352880.1, residues 466-486): STPGGEEAIE[Arg476His]LKESEKIIAE

ClinVar aggregate classification (germline): Uncertain significance. Review status: criteria provided, multiple submitters, no conflicts (2 of 4 stars). 2 submissions from 2 submitters: Uncertain significance (2). Last evaluated 2026-01-11.

Conditions:
Charcot-Marie-Tooth disease type 2. Also called: Charcot-Marie-Tooth type 2. Identifiers: Orphanet 64746, MedGen C0270914, MONDO:0018993.

Allele frequency attached by ClinVar (database versions not stated): gnomAD 0.00001; gnomAD exomes 0.00001; TOPMed 0.00001.
gnomAD v4.1: 20 of 1,612,740 alleles (0.0012%); highest among the groups gnomAD compares: Non-Finnish European, 0.0017%; no homozygotes.

Submissions (2):

Labcorp Genetics (formerly Invitae), Labcorp
Classification: Uncertain significance for Charcot-Marie-Tooth disease type 2. Last evaluated: 2026-01-11. Review status: criteria provided, single submitter. Criteria: Invitae Variant Classification Sherloc (09022015). Collection method: clinical testing. Allele origin: germline.
Comment: This sequence change replaces arginine, which is basic and polar, with histidine, which is basic and polar, at codon 430 of the KIF1B protein (p.Arg430His). This variant is present in population databases (no rsID available, gnomAD 0.002%). This variant has not been reported in the literature in individuals affected with KIF1B-related conditions. ClinVar contains an entry for this variant (Variation ID: 1769040). Invitae Evidence Modeling of protein sequence and biophysical properties (such as structural, functional, and spatial information, amino acid conservation, physicochemical variation, residue mobility, and thermodynamic stability) indicates that this missense variant is expected to disrupt KIF1B protein function with a positive predictive value of 80%. In summary, the available evidence is currently insufficient to determine the role of this variant in disease. Therefore, it has been classified as a Variant of Uncertain Significance.

Ambry Genetics
Classification: Uncertain significance. Last evaluated: 2024-03-08. Review status: criteria provided, single submitter. Criteria: Ambry Variant Classification Scheme 2023. Collection method: clinical testing. Allele origin: germline.
Comment: The p.R430H variant (also known as c.1289G>A), located in coding exon 12 of the KIF1B gene, results from a G to A substitution at nucleotide position 1289. The arginine at codon 430 is replaced by histidine, an amino acid with highly similar properties. This amino acid position is conserved. In addition, the in silico prediction for this alteration is inconclusive. Since supporting evidence is limited at this time, the clinical significance of this alteration remains unclear.